The following is an entry in ClinVar:

NM_152618.3(BBS12):c.189del (p.Ser64fs)

Gene: BBS12 (Bardet-Biedl syndrome 12; plus strand). Cytogenetic location: 4q27.
Variant type: Deletion.
Coding change: c.189del on transcript NM_152618.3 (MANE Select); coding-DNA position 189, one base deleted (C; older notation c.189delC).
Protein change: p.Ser64fs; shifts the reading frame from serine 64.
Molecular consequence: frameshift variant.
Genome position (GRCh38, 1-based): chr4:122,742,081, C deleted; the last of 2 consecutive C bases (chr4:122,742,080-122,742,081); deleting either gives the same sequence. VCF-style (leftmost placement, unchanged base first): chr4-122742079-AC-A. GRCh37 (hg19) VCF-style: chr4-123663234-AC-A.
Other names: c.189del (NM_152618.2); c.189del, p.Ser64fs (NM_001178007.2); short protein forms S64fs.
Identifiers: ClinVar variation 1460214 (VCV001460214.11), dbSNP rs2150735961, ClinGen allele CA2573138024.
Genomic context (GRCh38, chr4:122,742,079, plus strand): 5'-GAATGTCATGAAAGTGTATTAATCAGTTCAACAGTAAGGCTTCTTGAAAGTTTGGATTTA[AC>A]CAGTGCAGTGGGACAACTTCTCAATGAAGCAGTTCAAGCACAAAACAACACATATAGAAC-3'

ClinVar aggregate classification (germline): Pathogenic/Likely pathogenic. Review status: criteria provided, multiple submitters, no conflicts (2 of 4 stars). 3 submissions from 3 submitters: Pathogenic (1); Likely pathogenic (2). Last evaluated 2025-04-23.

Conditions:
Bardet-Biedl syndrome (BBS). Identifiers: Orphanet 110, MedGen C0752166, MONDO:0015229.
Bardet-Biedl syndrome 12 (BBS12). Identifiers: Orphanet 110, MedGen C1859570, MONDO:0014440, OMIM 615989.

Submissions (3):

Natera, Inc.
Classification: Likely pathogenic for Bardet-Biedl syndrome type 12. Last evaluated: 2025-04-23. Review status: criteria provided, single submitter. Criteria: Natera Variant Classification Schema (03/2026). Collection method: clinical testing. Allele origin: germline.
Comment: The c.189del variant in BBS12 is a frameshift variant predicted to shift the reading frame beginning at codon 64 and leads to a stop codon 48 codons downstream. This variant is expected to result in nonsense mediated decay, truncation, or a dysfunctional protein product. This variant is rare in the general population with a frequency below the threshold expected for the associated phenotype(s). This variant has been observed in one or more individuals affected with the associated recessive disease, as either homozygous or compound heterozygous with a second variant (PMID: 37031301, 36384733). Given the available evidence, this variant is classified as Likely Pathogenic.

Labcorp Genetics (formerly Invitae), Labcorp
Classification: Pathogenic for Bardet-Biedl syndrome. Last evaluated: 2023-09-25. Review status: criteria provided, single submitter. Criteria: Invitae Variant Classification Sherloc (09022015). Collection method: clinical testing. Allele origin: germline.
Comment: For these reasons, this variant has been classified as Pathogenic. This variant disrupts a region of the BBS12 protein in which other variant(s) (p.Asp687Valfs*3) have been determined to be pathogenic (Invitae). This suggests that this is a clinically significant region of the protein, and that variants that disrupt it are likely to be disease-causing. ClinVar contains an entry for this variant (Variation ID: 1460214). This variant has not been reported in the literature in individuals affected with BBS12-related conditions. This variant is not present in population databases (gnomAD no frequency). This sequence change creates a premature translational stop signal (p.Ser64Valfs*48) in the BBS12 gene. While this is not anticipated to result in nonsense mediated decay, it is expected to disrupt the last 647 amino acid(s) of the BBS12 protein.

Juno Genomics, Hangzhou Juno Genomics, Inc
Classification: Likely pathogenic for Bardet-Biedl syndrome 12. Review status: criteria provided, single submitter. Criteria: ACMG Guidelines, 2015. Collection method: clinical testing. Allele origin: germline.
Comment: Absent from controls (or at extremely low frequency if recessive) in Genome Aggregation Database.;Null variant in a gene where loss of function (LOF) is a known mechanism of disease.;For recessive disorders, detected in trans with a pathogenic variant.;Patient's phenotype or family history is highly specific for a disease with a single genetic etiology.

Literature cited by the submitters: PubMed 37031301 (cited by Natera, Inc.); PubMed 36384733 (cited by Natera, Inc.).